The following is an entry in ClinVar:

NM_206933.4(USH2A):c.10074C>A (p.Cys3358Ter)

Gene: USH2A (usherin; minus strand). Cytogenetic location: 1q41.
Variant type: single nucleotide variant.
Coding change: c.10074C>A on transcript NM_206933.4 (MANE Select); coding-DNA position 10074, C replaced by A.
Protein change: p.Cys3358Ter; replaces cysteine 3358 with a stop codon.
Molecular consequence: nonsense.
Genome position (GRCh38, 1-based): chr1:215,790,167, G>T on the plus strand (C>A on the coding strand, the complement: USH2A is on the minus strand). VCF-style: chr1-215790167-G-T. GRCh37 (hg19) VCF-style: chr1-215963509-G-T.
Other names: short protein forms C3358*.
Identifiers: ClinVar variation 859991 (VCV000859991.12), dbSNP rs1403618793, ClinGen allele CA344844021.

ClinVar aggregate classification (germline): Pathogenic/Likely pathogenic. Review status: criteria provided, multiple submitters, no conflicts (2 of 4 stars). 4 submissions from 4 submitters: Pathogenic (1); Likely pathogenic (3). Last evaluated 2024-05-23.

Conditions:
Usher syndrome. Also called: Usher's syndrome; Usher Syndromes. Identifiers: Orphanet 886, MedGen CN469326, MeSH D052245, MONDO:0019501. Disease mechanism: loss of function.
Usher syndrome type 2A. Also called: RETINAL DISEASE IN USHER SYNDROME TYPE IIA, MODIFIER OF; USHER SYNDROME, TYPE IIA. Identifiers: Orphanet 231178, Orphanet 886, MedGen C1848634, MONDO:0010169, OMIM 276901.

Allele frequency attached by ClinVar (database versions not stated): TOPMed 0.00001.

Submissions (4):

GeneDx
Classification: Likely pathogenic. Last evaluated: 2024-05-23. Review status: criteria provided, single submitter. Criteria: GeneDx Variant Classification Process June 2021. Collection method: clinical testing. Allele origin: germline. Affected: yes.
Comment: Nonsense variant predicted to result in protein truncation or nonsense mediated decay in a gene for which loss of function is a known mechanism of disease; Not observed at significant frequency in large population cohorts (gnomAD); Has not been previously published as pathogenic or benign to our knowledge; This variant is associated with the following publications: (PMID: 33749171)

Genome-Nilou Lab
Classification: Likely pathogenic for Usher syndrome type 2A. Last evaluated: 2023-11-04. Review status: criteria provided, single submitter. Criteria: ACMG Guidelines, 2015. Collection method: clinical testing. Allele origin: germline. Affected: no.

Labcorp Genetics (formerly Invitae), Labcorp
Classification: Pathogenic. Last evaluated: 2023-09-22. Review status: criteria provided, single submitter. Criteria: Invitae Variant Classification Sherloc (09022015). Collection method: clinical testing. Allele origin: germline.
Comment: This variant has not been reported in the literature in individuals affected with USH2A-related conditions. This sequence change creates a premature translational stop signal (p.Cys3358*) in the USH2A gene. It is expected to result in an absent or disrupted protein product. Loss-of-function variants in USH2A are known to be pathogenic (PMID: 10729113, 10909849, 20507924, 25649381). This variant is not present in population databases (gnomAD no frequency). ClinVar contains an entry for this variant (Variation ID: 859991). For these reasons, this variant has been classified as Pathogenic.

Women's Health and Genetics/Laboratory Corporation of America, LabCorp
Classification: Likely pathogenic for Usher syndrome. Last evaluated: 2023-01-19. Review status: criteria provided, single submitter. Criteria: LabCorp Variant Classification Summary - May 2015. Collection method: clinical testing. Allele origin: germline.
Comment: Variant summary: USH2A c.10074C>A (p.Cys3358X) results in a premature termination codon, predicted to cause a truncation of the encoded protein or absence of the protein due to nonsense mediated decay, which are commonly known mechanisms for disease. Truncations downstream of this position have been classified as pathogenic by our laboratory. The variant was absent in 251094 control chromosomes. To our knowledge, no occurrence of c.10074C>A in individuals affected with Usher Syndrome and no experimental evidence demonstrating its impact on protein function have been reported. One clinical diagnostic laboratory has submitted clinical-significance assessments for this variant to ClinVar after 2014 and classified the variant as pathogenic. Based on the evidence outlined above, the variant was classified as likely pathogenic.

Literature cited by the submitters: PubMed 10729113 (cited by Labcorp Genetics (formerly Invitae), Labcorp); PubMed 10909849 (cited by Labcorp Genetics (formerly Invitae), Labcorp); PubMed 20507924 (cited by Labcorp Genetics (formerly Invitae), Labcorp); PubMed 25649381 (cited by Labcorp Genetics (formerly Invitae), Labcorp).